The following is an entry in ClinVar:

NM_000368.5(TSC1):c.1030-14T>C

Gene: TSC1 (TSC complex subunit 1; minus strand). Cytogenetic location: 9q34.13.
Variant type: single nucleotide variant.
Coding change: c.1030-14T>C on transcript NM_000368.5 (MANE Select); 14 bases into the intron before coding-DNA position 1030, T replaced by C.
Molecular consequence: intron variant.
Genome position (GRCh38, 1-based): chr9:132,911,127, A>G on the plus strand (T>C on the coding strand, the complement: TSC1 is on the minus strand). VCF-style: chr9-132911127-A-G. GRCh37 (hg19) VCF-style: chr9-135786514-A-G.
Other names: c.667-14T>C (NM_001362177.2); c.877-14T>C (NM_001162427.2); c.1030-14T>C (NM_001162426.2).
Identifiers: ClinVar variation 1948802 (VCV001948802.8), dbSNP rs180810228, ClinGen allele CA591361342.

ClinVar aggregate classification (germline): Conflicting classifications of pathogenicity. Review status: criteria provided, conflicting classifications (1 of 4 stars). 4 submissions from 4 submitters: Uncertain significance (1); Likely benign (3). Last evaluated 2025-04-09.

Conditions:
Tuberous sclerosis syndrome (TSC). Also called: Tuberous Sclerosis Complex; Tuberous sclerosis. Identifiers: Orphanet 805, MedGen C0041341, MONDO:0001734.
Tuberous sclerosis 1 (TSC1). Identifiers: Orphanet 805, MedGen C1854465, MONDO:0008612, OMIM 191100.

gnomAD v4.1: 1 of 1,597,036 alleles (0.000063%); highest among the groups gnomAD compares: Non-Finnish European, 0.000086%; no homozygotes.

Submissions (4):

Myriad Genetics, Inc.
Classification: Likely benign for Tuberous sclerosis 1. Last evaluated: 2025-04-09. Review status: criteria provided, single submitter. Criteria: Myriad Autosomal Dominant, Autosomal Recessive and X-Linked Classification Criteria (2023). Collection method: clinical testing. Allele origin: unknown.
Comment: This variant is considered likely benign. This variant is intronic and is not expected to impact mRNA splicing.

Labcorp Genetics (formerly Invitae), Labcorp
Classification: Uncertain significance for Tuberous sclerosis 1. Last evaluated: 2024-07-21. Review status: criteria provided, single submitter. Criteria: Invitae Variant Classification Sherloc (09022015). Collection method: clinical testing. Allele origin: germline.
Comment: This sequence change falls in intron 10 of the TSC1 gene. It does not directly change the encoded amino acid sequence of the TSC1 protein. This variant is present in population databases (no rsID available, gnomAD 0.0009%). This variant has not been reported in the literature in individuals affected with TSC1-related conditions. ClinVar contains an entry for this variant (Variation ID: 1948802). Studies have shown that this variant is associated with inconclusive levels of altered splicing (Invitae). In summary, the available evidence is currently insufficient to determine the role of this variant in disease. Therefore, it has been classified as a Variant of Uncertain Significance.

All of Us Research Program, National Institutes of Health
Classification: Likely benign for Tuberous sclerosis syndrome. Last evaluated: 2024-05-30. Review status: criteria provided, single submitter. Criteria: ACMG Guidelines, 2015. Collection method: clinical testing. Allele origin: germline. Inheritance: Autosomal dominant inheritance. Observed: 3 variant alleles, 3 heterozygotes.
Comment: This study involves interpretation of variants in research participants for the purpose of population health screening. Participant phenotype was not available at the time of variant classification. Additional details can be found in publication PMID: 35346344, PMCID: PMC8962531

Color Diagnostics, LLC DBA Color Health
Classification: Likely benign for Tuberous sclerosis syndrome. Last evaluated: 2023-07-21. Review status: criteria provided, single submitter. Criteria: ACMG Guidelines, 2015. Collection method: clinical testing. Allele origin: germline.